The following is an entry in ClinVar:

NC_000005.10:g.112707417G>A

Gene: APC (APC regulator of Wnt signaling pathway; plus strand). Cytogenetic location: 5q22.2.
Variant type: single nucleotide variant.
Genome position: GRCh38 VCF-style: chr5-112707417-G-A. GRCh37 (hg19) VCF-style: chr5-112043114-G-A.
Identifiers: ClinVar variation 1014110 (VCV001014110.10), dbSNP rs1173265814, ClinGen allele CA802056900.

ClinVar aggregate classification (germline): Uncertain significance (1 of 4 stars; one submission).

Conditions:
Familial adenomatous polyposis 1 (FAP1). Also called: FAMILIAL ADENOMATOUS POLYPOSIS 1, ATTENUATED; POLYPOSIS, ADENOMATOUS INTESTINAL. Identifiers: MedGen C2713442, MONDO:0021056, OMIM 175100. Disease mechanism: loss of function.

Allele frequency attached by ClinVar (database versions not stated): TOPMed 0.00001.

Submission:

Labcorp Genetics (formerly Invitae), Labcorp
Classification: Uncertain significance for Familial adenomatous polyposis 1. Last evaluated: 2025-08-20. Review status: criteria provided, single submitter. Criteria: Invitae Variant Classification Sherloc (09022015). Collection method: clinical testing. Allele origin: germline.
Comment: This variant occurs in a non-coding region of the APC gene. It does not change the encoded amino acid sequence of the APC protein. This variant is not present in population databases (gnomAD no frequency). This variant has not been reported in the literature in individuals affected with APC-related conditions. Experimental studies and prediction algorithms are not available or were not evaluated, and the functional significance of this variant is currently unknown. In summary, the available evidence is currently insufficient to determine the role of this variant in disease. Therefore, it has been classified as a Variant of Uncertain Significance.